The following is an entry in ClinVar:

NM_000093.5(COL5A1):c.1953C>T (p.Ser651=)

Gene: COL5A1 (collagen type V alpha 1 chain; plus strand). Cytogenetic location: 9q34.3.
Variant type: single nucleotide variant.
Coding change: c.1953C>T on transcript NM_000093.5 (MANE Select); coding-DNA position 1953, C replaced by T.
Protein change: p.Ser651=; no amino-acid change (serine 651 retained).
Molecular consequence: synonymous variant.
Genome position (GRCh38, 1-based): chr9:134,761,942, C>T. VCF-style: chr9-134761942-C-T. GRCh37 (hg19) VCF-style: chr9-137653788-C-T.
Other names: p.S651S:TCC>TCT; p.Ser651=; c.1953C>T, p.Ser651= (NM_001278074.1).
Identifiers: ClinVar variation 212886 (VCV000212886.26), dbSNP rs78215347, ClinGen allele CA321849.

ClinVar aggregate classification (germline): Benign/Likely benign. Review status: criteria provided, multiple submitters, no conflicts (2 of 4 stars). 10 submissions from 9 submitters: Benign (6); Likely benign (3). 1 of the submissions does not count toward it. Last evaluated 2026-01-20.

Conditions:
COL5A1-related disorder. Also called: COL5A1-related condition.
Ehlers-Danlos syndrome, classic type, 1 (EDSCL1). Also called: EHLERS-DANLOS SYNDROME, GRAVIS TYPE; EHLERS-DANLOS SYNDROME, SEVERE CLASSIC TYPE; Ehlers-Danlos syndrome, type 1; Ehlers-Danlos Syndrome, Classic Type, COL5A1-Related; EDS I. Identifiers: MedGen C0268335, MONDO:0019567, OMIM 130000.
Fibromuscular dysplasia, multifocal. Identifiers: MedGen C5543412, MONDO:0859151, OMIM 619329.
Familial thoracic aortic aneurysm and aortic dissection (TAAD). Also called: Thoracic aortic aneurysms and dissections. Identifiers: Orphanet 91387, MedGen C4707243, MONDO:0019625.

Allele frequency attached by ClinVar (database versions not stated): gnomAD exomes 0.00009 and 0.00025; ExAC 0.00028; 1000 Genomes Project 0.00060; TOPMed 0.00100; gnomAD 0.00101 and 0.00094; 1000 Genomes Project 30x 0.00078; ESP Exome Variant Server 0.00085.
gnomAD v4.1: 281 of 1,613,538 alleles (0.017%); highest among the groups gnomAD compares: African/African-American, 0.29%; 1 homozygote.

Submissions (10):

Labcorp Genetics (formerly Invitae), Labcorp
Classification: Benign for Ehlers-Danlos syndrome, classic type, 1. Last evaluated: 2026-01-20. Review status: criteria provided, single submitter. Criteria: Invitae Variant Classification Sherloc (09022015). Collection method: clinical testing. Allele origin: germline.

Mayo Clinic Laboratories, Mayo Clinic
Classification: Likely benign. Last evaluated: 2025-10-22. Review status: criteria provided, single submitter. Criteria: ACMG Guidelines, 2015. Collection method: clinical testing. Allele origin: germline. Observed: 2 variant alleles.
Comment: BS1, BP4, BP7

Blueprint Genetics
Classification: Likely benign. Last evaluated: 2024-09-10. Review status: criteria provided, single submitter. Criteria: ACMG Guidelines, 2015. Collection method: clinical testing. Allele origin: germline.

Women's Health and Genetics/Laboratory Corporation of America, LabCorp
Classification: Benign. Last evaluated: 2023-07-21. Review status: criteria provided, single submitter. Criteria: LabCorp Variant Classification Summary - May 2015. Collection method: clinical testing. Allele origin: germline.

Genome-Nilou Lab
Classification: Benign for Ehlers-Danlos syndrome, classic type, 1. Last evaluated: 2022-03-15. Review status: criteria provided, single submitter. Criteria: ACMG Guidelines, 2015. Collection method: clinical testing. Allele origin: germline. Affected: no.

Genome-Nilou Lab
Classification: Benign for Fibromuscular dysplasia, multifocal. Last evaluated: 2022-03-15. Review status: criteria provided, single submitter. Criteria: ACMG Guidelines, 2015. Collection method: clinical testing. Allele origin: germline. Affected: no.

ARUP Laboratories, Molecular Genetics and Genomics, ARUP Laboratories
Classification: Benign. Last evaluated: 2021-01-16. Review status: criteria provided, single submitter. Criteria: ARUP Molecular Germline Variant Investigation Process 2021. Collection method: clinical testing. Allele origin: germline.

Ambry Genetics
Classification: Likely benign for Familial thoracic aortic aneurysm and aortic dissection. Last evaluated: 2017-07-10. Review status: criteria provided, single submitter. Criteria: Ambry Variant Classification Scheme 2023. Collection method: clinical testing. Allele origin: germline.

GeneDx
Classification: Benign. Last evaluated: 2014-09-16. Review status: criteria provided, single submitter. Criteria: GeneDx Variant Classification (06012015). Collection method: clinical testing. Allele origin: germline. Affected: yes.
Comment: This variant is considered likely benign or benign based on one or more of the following criteria: it is a conservative change, it occurs at a poorly conserved position in the protein, it is predicted to be benign by multiple in silico algorithms, and/or has population frequency not consistent with disease.

PreventionGenetics, part of Exact Sciences
Classification: Likely benign for COL5A1-related condition. Last evaluated: 2019-06-25. Review status: no assertion criteria provided. Collection method: clinical testing. Allele origin: germline. Not counted in ClinVar's aggregate classification.
Comment: This variant is classified as likely benign based on ACMG/AMP sequence variant interpretation guidelines (Richards et al. 2015 PMID: 25741868, with internal and published modifications).